The following is an entry in ClinVar:

ClinVar aggregate classification (germline): Uncertain significance. Review status: criteria provided, multiple submitters, no conflicts (2 of 4 stars). 2 submissions from 2 submitters: Uncertain significance (2). Last evaluated 2024-07-23.

Conditions:
DICER1-related tumor predisposition. Also called: DICER1-related pleuropulmonary blastoma cancer predisposition syndrome; DICER1 syndrome. Identifiers: Orphanet 284343, MedGen C3839822, MONDO:0100216.

Submissions (2):

Revvity Omics, Revvity
Classification: Uncertain significance. Last evaluated: 2024-07-23. Review status: criteria provided, single submitter. Criteria: ACMG Guidelines, 2015. Collection method: clinical testing. Allele origin: germline.

Labcorp Genetics (formerly Invitae), Labcorp
Classification: Uncertain significance for DICER1-related tumor predisposition. Last evaluated: 2024-06-25. Review status: criteria provided, single submitter. Criteria: Invitae Variant Classification Sherloc (09022015). Collection method: clinical testing. Allele origin: germline.
Comment: This sequence change replaces alanine, which is neutral and non-polar, with serine, which is neutral and polar, at codon 1174 of the DICER1 protein (p.Ala1174Ser). This variant is not present in population databases (gnomAD no frequency). This variant has not been reported in the literature in individuals affected with DICER1-related conditions. ClinVar contains an entry for this variant (Variation ID: 1896051). Advanced modeling of protein sequence and biophysical properties (such as structural, functional, and spatial information, amino acid conservation, physicochemical variation, residue mobility, and thermodynamic stability) performed at Invitae indicates that this missense variant is not expected to disrupt DICER1 protein function with a negative predictive value of 80%. In summary, the available evidence is currently insufficient to determine the role of this variant in disease. Therefore, it has been classified as a Variant of Uncertain Significance.

NM_177438.3(DICER1):c.3520G>T (p.Ala1174Ser)

Gene: DICER1 (dicer 1, ribonuclease III; minus strand). Cytogenetic location: 14q32.13.
Variant type: single nucleotide variant.
Coding change: c.3520G>T on transcript NM_177438.3 (MANE Select); coding-DNA position 3520, G replaced by T.
Protein change: p.Ala1174Ser; replaces alanine 1174 with serine.
Molecular consequence: missense variant. On other transcripts: non-coding transcript variant (6).
Genome position (GRCh38, 1-based): chr14:95,103,876, C>A on the plus strand (G>T on the coding strand, the complement: DICER1 is on the minus strand). VCF-style: chr14-95103876-C-A. GRCh37 (hg19) VCF-style: chr14-95570213-C-A.
Other names: c.3520G>T, p.Ala1174Ser (NM_001195573.1, NM_001271282.3, NM_001291628.2 and 13 more transcripts); c.3238G>T, p.Ala1080Ser (NM_001395686.1); c.3115G>T, p.Ala1039Ser (NM_001395687.1, NM_001395688.1, NM_001395689.1 and 2 more transcripts); c.2953G>T, p.Ala985Ser (NM_001395691.1); c.1837G>T, p.Ala613Ser (NM_001395697.1); short protein forms A1080S, A613S, A1174S, A985S, A1039S.
Identifiers: ClinVar variation 1896051 (VCV001896051.6), dbSNP rs2139966419, ClinGen allele CA390875090.
Genomic context (GRCh38, chr14:95,103,876, plus strand): 5'-TGTTAGCTAAATCATAACTGCCATTGGCGAGATTTTGATTGTAAGAAAGACCATTAATTG[C>A]TGTAAGATCTGCTGAAACTTCAACGTGGAGCTTACCAGGGGACTCGCTGAGCAACGTTCT-3'
Protein context (NP_803187.1, residues 1164-1184): LHVEVSADLT[Ala1174Ser]INGLSYNQNL